The following is an entry in ClinVar:

ClinVar aggregate classification (germline): Pathogenic (1 of 4 stars; one submission).

Submission:

Labcorp Genetics (formerly Invitae), Labcorp
Classification: Pathogenic. Last evaluated: 2020-02-03. Review status: criteria provided, single submitter. Criteria: Invitae Variant Classification Sherloc (09022015). Collection method: clinical testing. Allele origin: germline.
Comment: This variant is a gross deletion of the genomic region encompassing exons 1-2 (c.-534_315+414del) of the HBB gene, which includes the initiator codon. This is expected to result in an absent or disrupted protein product. Similar deletions of exons 1 and 2 have been reported in individuals affected with HBB-related conditions (PMID: 2456798, 3799598, 6089938, 21797706). Loss-of-function variants in HBB are known to be pathogenic (PMID: 23637309). For these reasons, this variant has been classified as Pathogenic.

Literature cited by the submitters: PubMed 2456798; PubMed 3799598; PubMed 6089938; PubMed 21797706; PubMed 23637309.

NC_000011.9:g.(?_5247393)_5248785del

Gene: HBB (hemoglobin subunit beta; minus strand).
Variant type: Deletion.
Identifiers: ClinVar variation 1074556 (VCV001074556.2).